The following is an entry in ClinVar:

ClinVar aggregate classification (germline): Benign. Review status: criteria provided, multiple submitters, no conflicts (2 of 4 stars). 3 submissions from 3 submitters: Benign (2). 1 of the submissions does not count toward it. Last evaluated 2026-05-27.

Conditions:
CARD14-related disorder. Also called: CARD14-related condition.
Pityriasis rubra pilaris (PRP). Also called: Pityriasis rubra pilaris--familial type. Identifiers: Orphanet 2897, MedGen C0032027, MONDO:0100017, OMIM 173200, MONDO:0008251.
Psoriasis 2. Identifiers: MedGen C1864497, MONDO:0011269, OMIM 602723.

Allele frequency attached by ClinVar (database versions not stated): TOPMed 0.00022; gnomAD 0.00006; gnomAD exomes 0.00013.
gnomAD v4.1: 203 of 1,611,650 alleles (0.013%); highest among the groups gnomAD compares: Admixed American, 0.29%; no homozygotes.

Submissions (3):

Women's Health and Genetics/Laboratory Corporation of America, LabCorp
Classification: Benign. Last evaluated: 2026-05-27. Review status: criteria provided, single submitter. Criteria: LabCorp Variant Classification Summary - May 2015. Collection method: clinical testing. Allele origin: germline.

Labcorp Genetics (formerly Invitae), Labcorp
Classification: Benign for Pityriasis rubra pilaris; Psoriasis 2. Last evaluated: 2026-01-11. Review status: criteria provided, single submitter. Criteria: Invitae Variant Classification Sherloc (09022015). Collection method: clinical testing. Allele origin: germline.

PreventionGenetics, part of Exact Sciences
Classification: Likely benign for CARD14-related condition. Last evaluated: 2023-01-31. Review status: no assertion criteria provided. Collection method: clinical testing. Allele origin: germline. Not counted in ClinVar's aggregate classification.
Comment: This variant is classified as likely benign based on ACMG/AMP sequence variant interpretation guidelines (Richards et al. 2015 PMID: 25741868, with internal and published modifications).

NM_001366385.1(CARD14):c.1395C>T (p.Arg465=)

Gene: CARD14 (caspase recruitment domain family member 14; plus strand). Cytogenetic location: 17q25.3.
Variant type: single nucleotide variant.
Coding change: c.1395C>T on transcript NM_001366385.1 (MANE Select); coding-DNA position 1395, C replaced by T.
Protein change: p.Arg465=; no amino-acid change (arginine 465 retained).
Molecular consequence: synonymous variant. On other transcripts: non-coding transcript variant (1).
Genome position (GRCh38, 1-based): chr17:80,195,229, C>T. VCF-style: chr17-80195229-C-T. GRCh37 (hg19) VCF-style: chr17-78169028-C-T.
Other names: c.1395C>T, p.Arg465= (NM_024110.4, NM_001257970.1); c.684C>T, p.Arg228= (NM_052819.3).
Identifiers: ClinVar variation 1167265 (VCV001167265.12), dbSNP rs759000751, ClinGen allele CA8816816.